The following is an entry in ClinVar:

NM_001330691.3(CEP78):c.538A>G (p.Thr180Ala)

Gene: CEP78 (centrosomal protein 78; plus strand). Cytogenetic location: 9q21.2.
Variant type: single nucleotide variant.
Coding change: c.538A>G on transcript NM_001330691.3 (MANE Select); coding-DNA position 538, A replaced by G.
Protein change: p.Thr180Ala; replaces threonine 180 with alanine.
Molecular consequence: missense variant.
Genome position (GRCh38, 1-based): chr9:78,241,734, A>G. VCF-style: chr9-78241734-A-G. GRCh37 (hg19) VCF-style: chr9-80856650-A-G.
Other names: c.538A>G, p.Thr180Ala (NM_001098802.3, NM_001330693.3, NM_001330694.2 and 4 more transcripts); short protein forms T180A.
Identifiers: ClinVar variation 1977167 (VCV001977167.5), dbSNP rs2489826937, ClinGen allele CA374000217.

ClinVar aggregate classification (germline): Uncertain significance (1 of 4 stars; one submission).

gnomAD v4.1: 1 of 1,609,396 alleles (0.000062%); no homozygotes.

Submission:

Labcorp Genetics (formerly Invitae), Labcorp
Classification: Uncertain significance. Last evaluated: 2024-01-22. Review status: criteria provided, single submitter. Criteria: Invitae Variant Classification Sherloc (09022015). Collection method: clinical testing. Allele origin: germline.
Comment: This sequence change replaces threonine, which is neutral and polar, with alanine, which is neutral and non-polar, at codon 180 of the CEP78 protein (p.Thr180Ala). This variant is not present in population databases (gnomAD no frequency). This variant has not been reported in the literature in individuals affected with CEP78-related conditions. ClinVar contains an entry for this variant (Variation ID: 1977167). Advanced modeling of protein sequence and biophysical properties (such as structural, functional, and spatial information, amino acid conservation, physicochemical variation, residue mobility, and thermodynamic stability) performed at Invitae indicates that this missense variant is not expected to disrupt CEP78 protein function with a negative predictive value of 80%. In summary, the available evidence is currently insufficient to determine the role of this variant in disease. Therefore, it has been classified as a Variant of Uncertain Significance.